The following is an entry in ClinVar:

NM_002299.4(LCT):c.3728C>T (p.Thr1243Met)

Gene: LCT (lactase; minus strand). Cytogenetic location: 2q21.3.
Variant type: single nucleotide variant.
Coding change: c.3728C>T on transcript NM_002299.4 (MANE Select); coding-DNA position 3728, C replaced by T.
Protein change: p.Thr1243Met; replaces threonine 1243 with methionine.
Molecular consequence: missense variant.
Genome position (GRCh38, 1-based): chr2:135,808,619, G>A on the plus strand (C>T on the coding strand, the complement: LCT is on the minus strand). VCF-style: chr2-135808619-G-A. GRCh37 (hg19) VCF-style: chr2-136566189-G-A.
Other names: c.3728C>T (NM_002299.2); short protein forms T1243M.
Identifiers: ClinVar variation 1431066 (VCV001431066.6), dbSNP rs749355445, ClinGen allele CA1888004.
Genomic context (GRCh38, chr2:135,808,619, plus strand): 5'-TCTTCCTTGATCCAGTTCAGCAGCCTTCGCGTCCCCCAGGGCGCAGCTCTGTTCATTGCC[G>A]TGGAAGGCCACGAAGGGTCCTCCTCCTCAGCCATCTCCTGGTCGTCTTCGTAGGAGGGTG-3'
Protein context (NP_002290.2, residues 1233-1253): AEEEDPSWPS[Thr1243Met]AMNRAAPWGT

ClinVar aggregate classification (germline): Uncertain significance. Review status: criteria provided, multiple submitters, no conflicts (2 of 4 stars). 2 submissions from 2 submitters: Uncertain significance (2). Last evaluated 2025-11-03.

Conditions:
Inborn genetic diseases. Identifiers: MedGen C0950123, MeSH D030342.

Allele frequency attached by ClinVar (database versions not stated): gnomAD exomes 0.00001; ExAC 0.00002.
gnomAD v4.1: 70 of 1,614,210 alleles (0.0043%); highest among the groups gnomAD compares: Non-Finnish European, 0.0055%; no homozygotes.

Submissions (2):

Labcorp Genetics (formerly Invitae), Labcorp
Classification: Uncertain significance. Last evaluated: 2025-11-03. Review status: criteria provided, single submitter. Criteria: Invitae Variant Classification Sherloc (09022015). Collection method: clinical testing. Allele origin: germline.
Comment: This sequence change replaces threonine, which is neutral and polar, with methionine, which is neutral and non-polar, at codon 1243 of the LCT protein (p.Thr1243Met). This variant is present in population databases (rs749355445, gnomAD 0.003%). This variant has not been reported in the literature in individuals affected with LCT-related conditions. ClinVar contains an entry for this variant (Variation ID: 1431066). An algorithm developed to predict the effect of missense changes on protein structure and function (PolyPhen-2) suggests that this variant is likely to be disruptive. In summary, the available evidence is currently insufficient to determine the role of this variant in disease. Therefore, it has been classified as a Variant of Uncertain Significance.

Ambry Genetics
Classification: Uncertain significance for Inborn genetic diseases. Last evaluated: 2025-08-05. Review status: criteria provided, single submitter. Criteria: Ambry Variant Classification Scheme 2023. Collection method: clinical testing. Allele origin: germline.